The following is an entry in ClinVar:

NM_020163.3(SEMA3G):c.2025G>A (p.Val675=)

Gene: SEMA3G (semaphorin 3G; minus strand). Cytogenetic location: 3p21.1.
Variant type: single nucleotide variant.
Coding change: c.2025G>A on transcript NM_020163.3 (MANE Select); coding-DNA position 2025, G replaced by A.
Protein change: p.Val675=; no amino-acid change (valine 675 retained).
Molecular consequence: synonymous variant.
Genome position (GRCh38, 1-based): chr3:52,435,927, C>T on the plus strand (G>A on the coding strand, the complement: SEMA3G is on the minus strand). VCF-style: chr3-52435927-C-T. GRCh37 (hg19) VCF-style: chr3-52469943-C-T.
Identifiers: ClinVar variation 3053896 (VCV003053896.2), dbSNP rs2471422994, ClinGen allele CA433784275.

ClinVar aggregate classification (germline): Likely benign (0 of 4 stars; one submission).

Conditions:
SEMA3G-related disorder. Also called: SEMA3G-related condition.

Allele frequency attached by ClinVar (database versions not stated): gnomAD exomes below 0.00001.
gnomAD v4.1: 1 of 1,613,968 alleles (0.000062%); highest among the groups gnomAD compares: East Asian, 0.0022%; no homozygotes.

Submission:

PreventionGenetics, part of Exact Sciences
Classification: Likely benign for SEMA3G-related condition. Last evaluated: 2022-08-16. Review status: no assertion criteria provided. Collection method: clinical testing. Allele origin: germline.
Comment: This variant is classified as likely benign based on ACMG/AMP sequence variant interpretation guidelines (Richards et al. 2015 PMID: 25741868, with internal and published modifications).